The following is an entry in ClinVar:

NC_000022.10:g.(29115474_29120964)_(29121356_29130390)del

Gene: CHEK2 (checkpoint kinase 2; minus strand). Cytogenetic location: 22q12.1.
Variant type: Deletion.
Identifiers: ClinVar variation 2429229 (VCV002429229.5).

ClinVar aggregate classification (germline): Pathogenic (1 of 4 stars; one submission).

Conditions:
Hereditary breast ovarian cancer syndrome. Also called: Hereditary breast and ovarian cancer syndrome (HBOC); Breast and ovarian cancer; Hereditary breast and/or ovarian cancer syndrome; Hereditary breast and ovarian cancer; BRCA1- and BRCA2-Associated Hereditary Breast and Ovarian Cancer; Hereditary breast and ovarian cancer syndrome. Identifiers: Orphanet 145, MedGen C0677776, MeSH D061325, MONDO:0003582. Disease mechanism: loss of function.

Submission:

Women's Health and Genetics/Laboratory Corporation of America, LabCorp
Classification: Pathogenic for Hereditary breast ovarian cancer syndrome. Last evaluated: 2023-01-26. Review status: criteria provided, single submitter. Criteria: LabCorp Variant Classification Summary - May 2015. Collection method: clinical testing. Allele origin: germline.
Comment: Variant summary: The variant identified by MLPA or other technology involves the deletion of exons 3-4 in the CHEK2 gene. A presumed nomenclature of c.(319+1_320-1)_(592+1_593-1)del has been designated for the purposes of this classification. Although exact breakpoints of this CNV are not known, it is expected to result in a large in-frame deletion change in the CHEK2 gene, a known mechanism of disease. The variant was absent in 21694 control chromosomes (gnomAD, Structural Variants dataset). Deletion of exons 3-4 has been reported in the literature in individuals affected with hereditary cancer, including breast cancer (La Duca_2014, Apostolou_2018, Vargas-Parra_2020). These data indicate that the variant is likely to be associated with disease. Experimental evidence evaluating an impact on protein function demonstrated the variant cannot complement the loss of RAD53 activity and results in a significant decrease of cell proliferation in a yeast assay (Apostolou_2018). A ClinVar submitter (evaluation after 2014) cites the variant as pathogenic. Based on the evidence outlined above, the variant was classified as pathogenic.

Literature cited by the submitters: PubMed 24763289; PubMed 32906215; PubMed 29785007.